The following is an entry in ClinVar:

ClinVar aggregate classification (germline): Pathogenic (1 of 4 stars; one submission).

Conditions:
Imerslund-Grasbeck syndrome. Also called: Imerslund-Gräsbeck syndrome; PERNICIOUS ANEMIA, JUVENILE, DUE TO SELECTIVE INTESTINAL MALABSORPTION OF VITAMIN B12, WITH PROTEINURIA; ENTEROCYTE COBALAMIN MALABSORPTION; ENTEROCYTE INTRINSIC FACTOR RECEPTOR, DEFECT OF; Megaloblastic anemia due to inborn errors of metabolism. Identifiers: Orphanet 35858, MedGen C4551825, MONDO:0009853.

Submission:

Labcorp Genetics (formerly Invitae), Labcorp
Classification: Pathogenic for Imerslund-Grasbeck syndrome. Last evaluated: 2020-06-24. Review status: criteria provided, single submitter. Criteria: Invitae Variant Classification Sherloc (09022015). Collection method: clinical testing. Allele origin: germline.
Comment: Loss-of-function variants in CUBN are known to be pathogenic (PMID: 15024727, 22929189). For these reasons, this variant has been classified as Pathogenic. This variant has not been reported in the literature in individuals with CUBN-related conditions. This variant is not present in population databases (ExAC no frequency). This sequence change creates a premature translational stop signal (p.Thr731Glnfs*29) in the CUBN gene. It is expected to result in an absent or disrupted protein product.

Literature cited by the submitters: PubMed 15024727; PubMed 22929189.

NM_001081.4(CUBN):c.2191_2192del (p.Thr731fs)

Gene: CUBN (cubilin; minus strand). Cytogenetic location: 10p13.
Variant type: Microsatellite.
Coding change: c.2191_2192del on transcript NM_001081.4 (MANE Select); coding-DNA positions 2191 to 2192, 2 bases deleted (AC; older notation c.2191_2192delAC).
Protein change: p.Thr731fs; shifts the reading frame from threonine 731.
Molecular consequence: frameshift variant.
Genome position (GRCh38, 1-based): chr10:17,084,380-17,084,381, GT deleted on the plus strand (AC on the coding strand, the reverse complement: CUBN is on the minus strand); deleting any 2 consecutive bases within chr10:17,084,380-17,084,384 gives the same sequence; the c. name uses the placement nearest the transcript's 3' end. VCF-style (leftmost placement, unchanged base first): chr10-17084379-GGT-G. GRCh37 (hg19) VCF-style: chr10-17126378-GGT-G.
Other names: short protein forms T731fs.
Identifiers: ClinVar variation 1075676 (VCV001075676.9), dbSNP rs2131863686, ClinGen allele CA2580615436.